The following is an entry in ClinVar:

ClinVar aggregate classification (germline): Uncertain significance (1 of 4 stars; one submission).

Conditions:
Ehlers-Danlos syndrome, classic type, 1 (EDSCL1). Also called: EDS I; EHLERS-DANLOS SYNDROME, GRAVIS TYPE; EHLERS-DANLOS SYNDROME, SEVERE CLASSIC TYPE; Ehlers-Danlos syndrome, type 1; Ehlers-Danlos Syndrome, Classic Type, COL5A1-Related. Identifiers: MedGen C0268335, MONDO:0019567, OMIM 130000.

Allele frequency attached by ClinVar (database versions not stated): gnomAD exomes below 0.00001.
gnomAD v4.1: 1 of 1,605,848 alleles (0.000062%); highest among the groups gnomAD compares: Non-Finnish European, 0.000085%; no homozygotes.

Submission:

Labcorp Genetics (formerly Invitae), Labcorp
Classification: Uncertain significance for Ehlers-Danlos syndrome, classic type, 1. Last evaluated: 2024-10-22. Review status: criteria provided, single submitter. Criteria: Invitae Variant Classification Sherloc (09022015). Collection method: clinical testing. Allele origin: germline.
Comment: This sequence change replaces glycine, which is neutral and non-polar, with aspartic acid, which is acidic and polar, at codon 357 of the COL5A2 protein (p.Gly357Asp). This variant is not present in population databases (gnomAD no frequency). This missense change has been observed in individual(s) with clinical features of COL5A2-related conditions (internal data). Invitae Evidence Modeling of protein sequence and biophysical properties (such as structural, functional, and spatial information, amino acid conservation, physicochemical variation, residue mobility, and thermodynamic stability) indicates that this missense variant is expected to disrupt COL5A2 protein function with a positive predictive value of 80%. In summary, the available evidence is currently insufficient to determine the role of this variant in disease. Therefore, it has been classified as a Variant of Uncertain Significance.

NM_000393.5(COL5A2):c.1070G>A (p.Gly357Asp)

Gene: COL5A2 (collagen type V alpha 2 chain; minus strand). Cytogenetic location: 2q32.2.
Variant type: single nucleotide variant.
Coding change: c.1070G>A on transcript NM_000393.5 (MANE Select); coding-DNA position 1070, G replaced by A.
Protein change: p.Gly357Asp; replaces glycine 357 with aspartic acid.
Molecular consequence: missense variant.
Genome position (GRCh38, 1-based): chr2:189,075,427, C>T on the plus strand (G>A on the coding strand, the complement: COL5A2 is on the minus strand). VCF-style: chr2-189075427-C-T. GRCh37 (hg19) VCF-style: chr2-189940153-C-T.
Other names: short protein forms G357D.
Identifiers: ClinVar variation 2996145 (VCV002996145.3), dbSNP rs2469330715, ClinGen allele CA349855373.
Genomic context (GRCh38, chr2:189,075,427, plus strand): 5'-ATTAATATGAAAATAATATAACTCACCATTGGTCCAGGTTTTCCAGGCATACCATGTGCA[C>T]CTCGTTGTCCCTAATTAAGAGAAAAAGAGACAAGACAGGATAAGATTACATTTTAGACTA-3'
Protein context (NP_000384.2, residues 347-367): LGPQGAPGQR[Gly357Asp]AHGMPGKPGP